The following is an entry in ClinVar:

NM_152490.5(B3GALNT2):c.1207C>T (p.Pro403Ser)

Gene: B3GALNT2 (beta-1,3-N-acetylgalactosaminyltransferase 2; minus strand). Cytogenetic location: 1q42.3.
Variant type: single nucleotide variant.
Coding change: c.1207C>T on transcript NM_152490.5 (MANE Select); coding-DNA position 1207, C replaced by T.
Protein change: p.Pro403Ser; replaces proline 403 with serine.
Molecular consequence: missense variant.
Genome position (GRCh38, 1-based): chr1:235,454,260, G>A on the plus strand (C>T on the coding strand, the complement: B3GALNT2 is on the minus strand). VCF-style: chr1-235454260-G-A. GRCh37 (hg19) VCF-style: chr1-235617572-G-A.
Other names: short protein forms P403S.
Identifiers: ClinVar variation 855806 (VCV000855806.1), dbSNP rs1683062458, ClinGen allele CA344957021.

ClinVar aggregate classification (germline): Uncertain significance (1 of 4 stars; one submission).

Conditions:
Muscular dystrophy-dystroglycanopathy (congenital with brain and eye anomalies), type a, 11 (MDDGA11). Also called: WALKER-WARBURG SYNDROME OR MUSCLE-EYE-BRAIN DISEASE, B3GALNT2-RELATED; Congenital muscular dystrophy-dystroglycanopathy with brain and eye anomalies, type A11; Muscular dystrophy-dystroglycanopathy (congenital with brain and eye anomalies, type A, 11. Identifiers: Orphanet 588, Orphanet 899, MedGen C3554638, MONDO:0014071, OMIM 615181.

Submission:

Labcorp Genetics (formerly Invitae), Labcorp
Classification: Uncertain significance for Muscular dystrophy-dystroglycanopathy (congenital with brain and eye anomalies), type a, 11. Last evaluated: 2019-03-13. Review status: criteria provided, single submitter. Criteria: Invitae Variant Classification Sherloc (09022015). Collection method: clinical testing. Allele origin: germline.
Comment: This sequence change replaces proline with serine at codon 403 of the B3GALNT2 protein (p.Pro403Ser). The proline residue is moderately conserved and there is a moderate physicochemical difference between proline and serine. This variant is not present in population databases (ExAC no frequency). This variant has not been reported in the literature in individuals with B3GALNT2-related conditions. Algorithms developed to predict the effect of missense changes on protein structure and function (SIFT, PolyPhen-2, Align-GVGD) all suggest that this variant is likely to be tolerated, but these predictions have not been confirmed by published functional studies and their clinical significance is uncertain. In summary, the available evidence is currently insufficient to determine the role of this variant in disease. Therefore, it has been classified as a Variant of Uncertain Significance.